The following is an entry in ClinVar:

ClinVar aggregate classification (germline): Benign. Review status: criteria provided, multiple submitters, no conflicts (2 of 4 stars). 11 submissions from 8 submitters: Benign (7). 4 of the submissions do not count toward it. Last evaluated 2026-02-04.

Conditions:
Arthrogryposis, distal, type 2B3. Also called: Arthrogryposis, distal, type 2B3 (Sheldon-Hall). Identifiers: MedGen C5193098, MONDO:0032751, OMIM 618436.
Contractures, pterygia, and variable skeletal fusions syndrome 1B. Also called: CONTRACTURES, PTERYGIA, AND SPONDYLOCARPOTARSAL FUSION SYNDROME 1B. Identifiers: MedGen C5193114, MONDO:0020746, OMIM 618469.
Freeman-Sheldon syndrome (DA2A). Also called: CRANIOCARPOTARSAL DYSPLASIA; CRANIOCARPOTARSAL DYSTROPHY; WHISTLING FACE-WINDMILL VANE HAND SYNDROME; Arthrogryposis, distal, type 2A (Freeman-Sheldon). Identifiers: Orphanet 2053, MedGen C0265224, MONDO:0008675, OMIM 193700.
Contractures, pterygia, and spondylocarpotarsal fusion syndrome 1A (CPSFS1A). Also called: MULTIPLE PTERYGIUM SYNDROME, AUTOSOMAL DOMINANT; Distal arthrogryposis type 8; Contractures, pterygia, and variable skeletal fusions syndrome 1A. Identifiers: Orphanet 65743, MedGen C1867440, MONDO:0008338, OMIM 178110.

Submissions (11):

Labcorp Genetics (formerly Invitae), Labcorp
Classification: Benign. Last evaluated: 2026-02-04. Review status: criteria provided, single submitter. Criteria: Invitae Variant Classification Sherloc (09022015). Collection method: clinical testing. Allele origin: germline.

Molecular Genetics, Royal Melbourne Hospital
Classification: Benign for Contractures, pterygia, and variable skeletal fusions syndrome 1B. Last evaluated: 2023-05-04. Review status: criteria provided, single submitter. Criteria: ACMG Guidelines, 2015. Collection method: clinical testing. Allele origin: germline. Affected: yes.
Comment: European Non-Finnish population allele frequency is 73.31% (rs767372373, 93,270/126,364 alleles, 33,886 homozygotes in gnomAD v2.1). Based on the classification scheme RMH Modified ACMG/AMP Guidelines v1.1.0, this variant is classified as BENIGN. Following criteria are met: BA1

Genome-Nilou Lab
Classification: Benign for Freeman-Sheldon syndrome. Last evaluated: 2021-09-05. Review status: criteria provided, single submitter. Criteria: ACMG Guidelines, 2015. Collection method: clinical testing. Allele origin: germline. Affected: no.

Genome-Nilou Lab
Classification: Benign for Arthrogryposis, distal, type 2B3. Last evaluated: 2021-09-05. Review status: criteria provided, single submitter. Criteria: ACMG Guidelines, 2015. Collection method: clinical testing. Allele origin: germline. Affected: no.

Genome-Nilou Lab
Classification: Benign for Contractures, pterygia, and spondylocarpotarsal fusion syndrome 1A. Last evaluated: 2021-09-05. Review status: criteria provided, single submitter. Criteria: ACMG Guidelines, 2015. Collection method: clinical testing. Allele origin: germline. Affected: no.

Genome-Nilou Lab
Classification: Benign for Contractures, pterygia, and variable skeletal fusions syndrome 1B. Last evaluated: 2021-09-05. Review status: criteria provided, single submitter. Criteria: ACMG Guidelines, 2015. Collection method: clinical testing. Allele origin: germline. Affected: no.

GeneDx
Classification: Benign. Last evaluated: 2018-11-12. Review status: criteria provided, single submitter. Criteria: GeneDx Variant Classification Process June 2021. Collection method: clinical testing. Allele origin: germline. Affected: yes.

Clinical Genetics DNA and cytogenetics Diagnostics Lab, Erasmus MC, Erasmus Medical Center
Classification: Benign. Review status: no assertion criteria provided. Collection method: clinical testing. Allele origin: germline. Affected: yes. Study: VKGL Data-share Consensus. Not counted in ClinVar's aggregate classification.

Clinical Genetics, Academic Medical Center
Classification: Benign. Review status: no assertion criteria provided. Collection method: clinical testing. Allele origin: germline. Affected: yes. Study: VKGL Data-share Consensus. Not counted in ClinVar's aggregate classification.

Diagnostic Laboratory, Department of Genetics, University Medical Center Groningen
Classification: Benign. Review status: no assertion criteria provided. Collection method: clinical testing. Allele origin: germline. Affected: yes. Study: VKGL Data-share Consensus. Not counted in ClinVar's aggregate classification.

Genome Diagnostics Laboratory, University Medical Center Utrecht
Classification: Likely benign. Review status: no assertion criteria provided. Collection method: clinical testing. Allele origin: germline. Affected: yes. Study: VKGL Data-share Consensus. Not counted in ClinVar's aggregate classification.

NM_002470.4(MYH3):c.1960-8del

Gene: MYH3 (myosin heavy chain 3; minus strand). Cytogenetic location: 17p13.1.
Variant type: Deletion.
Coding change: c.1960-8del on transcript NM_002470.4 (MANE Select); 8 bases into the intron before coding-DNA position 1960, one base deleted (T; older notation c.1960-8delT).
Molecular consequence: intron variant.
Genome position (GRCh38, 1-based): chr17:10,641,380, A deleted on the plus strand (T on the coding strand, the reverse complement: MYH3 is on the minus strand); the first of 10 consecutive A bases (chr17:10,641,380-10,641,389); deleting any one gives the same sequence. VCF-style (leftmost placement, unchanged base first): chr17-10641379-GA-G. GRCh37 (hg19) VCF-style: chr17-10544696-GA-G.
Other names: c.1960-8delT (NM_002470.4).
Identifiers: ClinVar variation 321752 (VCV000321752.26), dbSNP rs3216884, ClinGen allele CA8392877.